The following is an entry in ClinVar:

ClinVar aggregate classification (germline): Uncertain significance (1 of 4 stars; one submission).

Allele frequency attached by ClinVar (database versions not stated): gnomAD exomes 0.00001.
gnomAD v4.1: 3 of 1,612,498 alleles (0.00019%); highest among the groups gnomAD compares: Non-Finnish European, 0.00025%; no homozygotes.

Submission:

Labcorp Genetics (formerly Invitae), Labcorp
Classification: Uncertain significance. Last evaluated: 2025-10-14. Review status: criteria provided, single submitter. Criteria: Invitae Variant Classification Sherloc (09022015). Collection method: clinical testing. Allele origin: germline.
Comment: This sequence change replaces tyrosine, which is neutral and polar, with cysteine, which is neutral and slightly polar, at codon 803 of the COL11A2 protein (p.Tyr803Cys). This variant is not present in population databases (gnomAD no frequency). This variant has not been reported in the literature in individuals affected with COL11A2-related conditions. ClinVar contains an entry for this variant (Variation ID: 1430614). Invitae Evidence Modeling of protein sequence and biophysical properties (such as structural, functional, and spatial information, amino acid conservation, physicochemical variation, residue mobility, and thermodynamic stability) indicates that this missense variant is not expected to disrupt COL11A2 protein function with a negative predictive value of 95%. In summary, the available evidence is currently insufficient to determine the role of this variant in disease. Therefore, it has been classified as a Variant of Uncertain Significance.

NM_080680.3(COL11A2):c.2408A>G (p.Tyr803Cys)

Gene: COL11A2 (collagen type XI alpha 2 chain; minus strand). Cytogenetic location: 6p21.32.
Variant type: single nucleotide variant.
Coding change: c.2408A>G on transcript NM_080680.3 (MANE Select); coding-DNA position 2408, A replaced by G.
Protein change: p.Tyr803Cys; replaces tyrosine 803 with cysteine.
Molecular consequence: missense variant.
Genome position (GRCh38, 1-based): chr6:33,174,549, T>C on the plus strand (A>G on the coding strand, the complement: COL11A2 is on the minus strand). VCF-style: chr6-33174549-T-C. GRCh37 (hg19) VCF-style: chr6-33142326-T-C.
Other names: c.2087A>G, p.Tyr696Cys (NM_080679.3); c.2150A>G, p.Tyr717Cys (NM_080681.3); short protein forms Y717C, Y803C, Y696C.
Identifiers: ClinVar variation 1430614 (VCV001430614.4), dbSNP rs1770639119, ClinGen allele CA363644237.